The following is an entry in ClinVar:

ClinVar aggregate classification (germline): Uncertain significance (1 of 4 stars; one submission).

Conditions:
Autoimmune interstitial lung disease-arthritis syndrome. Also called: Autoinflammation and autoimmunity, systemic, with immune dysregulation. Identifiers: Orphanet 444092, MedGen C5975714, MONDO:0014629.

gnomAD v4.1: 3 of 1,612,834 alleles (0.00019%); highest among the groups gnomAD compares: Non-Finnish European, 0.00025%; no homozygotes.

Submission:

Labcorp Genetics (formerly Invitae), Labcorp
Classification: Uncertain significance for Autoimmune interstitial lung disease-arthritis syndrome. Last evaluated: 2025-12-22. Review status: criteria provided, single submitter. Criteria: Invitae Variant Classification Sherloc (09022015). Collection method: clinical testing. Allele origin: germline.
Comment: This sequence change replaces aspartic acid, which is acidic and polar, with glycine, which is neutral and non-polar, at codon 470 of the COPA protein (p.Asp470Gly). This variant is present in population databases (rs769017937, gnomAD 0.002%). This variant has not been reported in the literature in individuals affected with COPA-related conditions. Invitae Evidence Modeling of protein sequence and biophysical properties (such as structural, functional, and spatial information, amino acid conservation, physicochemical variation, residue mobility, and thermodynamic stability) has been performed for this missense variant. However, the output from this modeling did not meet the statistical confidence thresholds required to predict the impact of this variant on COPA protein function. In summary, the available evidence is currently insufficient to determine the role of this variant in disease. Therefore, it has been classified as a Variant of Uncertain Significance.

NM_004371.4(COPA):c.1409A>G (p.Asp470Gly)

Gene: COPA (coat protein complex I subunit alpha; minus strand). Cytogenetic location: 1q23.2.
Variant type: single nucleotide variant.
Coding change: c.1409A>G on transcript NM_004371.4 (MANE Select); coding-DNA position 1409, A replaced by G.
Protein change: p.Asp470Gly; replaces aspartic acid 470 with glycine.
Molecular consequence: missense variant.
Genome position (GRCh38, 1-based): chr1:160,306,387, T>C on the plus strand (A>G on the coding strand, the complement: COPA is on the minus strand). VCF-style: chr1-160306387-T-C. GRCh37 (hg19) VCF-style: chr1-160276177-T-C.
Other names: c.1409A>G, p.Asp470Gly (NM_001098398.2); short protein forms D470G.
Identifiers: ClinVar variation 4742343 (VCV004742343.1).